The following is an entry in ClinVar:

ClinVar aggregate classification (germline): Uncertain significance. Review status: criteria provided, multiple submitters, no conflicts (2 of 4 stars). 2 submissions from 2 submitters: Uncertain significance (2). Last evaluated 2022-10-05.

Conditions:
Multiple gastrointestinal atresias. Also called: Multiple intestinal atresia; FAMILIAL INTESTINAL POLYATRESIA SYNDROME. Identifiers: Orphanet 2300, MedGen C0220744, MONDO:0009465.
Inborn genetic diseases. Identifiers: MedGen C0950123, MeSH D030342.

Allele frequency attached by ClinVar (database versions not stated): gnomAD 0.00001 and 0.00002; TOPMed 0.00002; ExAC 0.00003; gnomAD exomes 0.00005; 1000 Genomes Project 0.00020; 1000 Genomes Project 30x 0.00031.
gnomAD v4.1: 50 of 1,610,824 alleles (0.0031%); highest among the groups gnomAD compares: Middle Eastern, 0.087%; no homozygotes.

Submissions (2):

Labcorp Genetics (formerly Invitae), Labcorp
Classification: Uncertain significance for Multiple gastrointestinal atresias. Last evaluated: 2022-10-05. Review status: criteria provided, single submitter. Criteria: Invitae Variant Classification Sherloc (09022015). Collection method: clinical testing. Allele origin: germline.
Comment: This sequence change replaces alanine, which is neutral and non-polar, with threonine, which is neutral and polar, at codon 682 of the TTC7A protein (p.Ala682Thr). This variant is present in population databases (rs559596886, gnomAD 0.02%). This variant has not been reported in the literature in individuals affected with TTC7A-related conditions. ClinVar contains an entry for this variant (Variation ID: 1004617). Advanced modeling of protein sequence and biophysical properties (such as structural, functional, and spatial information, amino acid conservation, physicochemical variation, residue mobility, and thermodynamic stability) performed at Invitae indicates that this missense variant is expected to disrupt TTC7A protein function. In summary, the available evidence is currently insufficient to determine the role of this variant in disease. Therefore, it has been classified as a Variant of Uncertain Significance.

Ambry Genetics
Classification: Uncertain significance for Inborn genetic diseases. Last evaluated: 2021-06-23. Review status: criteria provided, single submitter. Criteria: Ambry Variant Classification Scheme 2023. Collection method: clinical testing. Allele origin: germline.

NM_020458.4(TTC7A):c.2044G>A (p.Ala682Thr)

Gene: TTC7A (tetratricopeptide repeat domain 7A; plus strand). Cytogenetic location: 2p21.
Variant type: single nucleotide variant.
Coding change: c.2044G>A on transcript NM_020458.4 (MANE Select); coding-DNA position 2044, G replaced by A.
Protein change: p.Ala682Thr; replaces alanine 682 with threonine.
Molecular consequence: missense variant.
Genome position (GRCh38, 1-based): chr2:47,051,772, G>A. VCF-style: chr2-47051772-G-A. GRCh37 (hg19) VCF-style: chr2-47278911-G-A.
Other names: c.2116G>A, p.Ala706Thr (NM_001288951.2); c.1942G>A, p.Ala648Thr (NM_001288953.2); c.982G>A, p.Ala328Thr (NM_001288955.2); c.2044G>A (NM_020458.2); short protein forms A328T, A648T, A682T, A706T.
Identifiers: ClinVar variation 1004617 (VCV001004617.4), dbSNP rs559596886, ClinGen allele CA1647992.